The following is an entry in ClinVar:

NM_000297.4(PKD2):c.61C>A (p.Pro21Thr)

Genes: PKD2 (polycystin 2, transient receptor potential cation channel; plus strand), LOC129992813 (ATAC-STARR-seq lymphoblastoid silent region 15559; plus strand). Cytogenetic location: 4q22.1.
Variant type: single nucleotide variant.
Coding change: c.61C>A on transcript NM_000297.4 (MANE Select); coding-DNA position 61, C replaced by A.
Protein change: p.Pro21Thr; replaces proline 21 with threonine.
Molecular consequence: missense variant. On other transcripts: non-coding transcript variant (1).
Genome position (GRCh38, 1-based): chr4:88,007,794, C>A. VCF-style: chr4-88007794-C-A. GRCh37 (hg19) VCF-style: chr4-88928946-C-A.
Other names: c.61C>A, p.Pro21Thr (NM_001440544.1); short protein forms P21T.
Identifiers: ClinVar variation 4986795 (VCV004986795.1).

ClinVar aggregate classification (germline): Uncertain significance (1 of 4 stars; one submission).

Conditions:
PKD2-related disorder. Also called: PKD2-related condition.

Submission:

PreventionGenetics, part of Exact Sciences
Classification: Uncertain significance for PKD2-related condition. Last evaluated: 2025-12-22. Review status: criteria provided, single submitter. Criteria: ACMG Guidelines, 2015. Collection method: clinical testing. Allele origin: germline.
Comment: The PKD2 c.61C>A variant is predicted to result in the amino acid substitution p.Pro21Thr. To our knowledge, this variant has not been reported in the literature or in a large population database (gnomAD), indicating it is rare. At this time, the clinical significance of this variant is uncertain due to the absence of conclusive functional and genetic evidence.